The following is an entry in ClinVar:

NM_178335.3(CCDC50):c.-19A>G

Genes: CCDC50 (coiled-coil domain containing 50; plus strand), UTS2B (urotensin 2B; minus strand). Cytogenetic location: 3q28.
Variant type: single nucleotide variant.
Coding change: c.-19A>G on transcript NM_178335.3 (MANE Select); 19 bases upstream of the start codon, A replaced by G.
Molecular consequence: 5 prime UTR variant. On other transcripts: intron variant (1).
Genome position (GRCh38, 1-based): chr3:191,329,656, A>G. VCF-style: chr3-191329656-A-G. GRCh37 (hg19) VCF-style: chr3-191047445-A-G.
Other names: c.-19A>G (NM_174908.4); c.-665+758T>C (NM_198152.5).
Identifiers: ClinVar variation 4537044 (VCV004537044.1).

ClinVar aggregate classification (germline): Uncertain significance (1 of 4 stars; one submission).

gnomAD v4.1: 35 of 1,605,692 alleles (0.0022%); highest among the groups gnomAD compares: Admixed American, 0.019%; no homozygotes.

Submission:

Women's Health and Genetics/Laboratory Corporation of America, LabCorp
Classification: Uncertain significance. Last evaluated: 2025-11-05. Review status: criteria provided, single submitter. Criteria: LabCorp Variant Classification Summary - May 2015. Collection method: clinical testing. Allele origin: germline.
Comment: Variant summary: CCDC50 c.-19A>G is located in the untranslated mRNA region upstream of the initiation codon. The variant allele was found at a frequency of 5.2e-05 in 229712 control chromosomes. This frequency is not significantly higher than estimated for disease-causing variants in CCDC50, allowing no conclusion about variant significance. To our knowledge, no occurrence of c.-19A>G in individuals affected with CCDC50-related conditions and no experimental evidence demonstrating its impact on protein function have been reported. No submitters have cited clinical-significance assessments for this variant to ClinVar. Based on the evidence outlined above, the variant was classified as uncertain significance.